The following is an entry in ClinVar:

ClinVar aggregate classification (germline): Uncertain significance. Review status: criteria provided, multiple submitters, no conflicts (2 of 4 stars). 4 submissions from 4 submitters: Uncertain significance (4). Last evaluated 2024-11-06.

Conditions:
Polymicrogyria with or without vascular-type Ehlers-Danlos syndrome. Identifiers: Orphanet 636941, MedGen C5193040, MONDO:0032688, OMIM 618343.
Ehlers-Danlos syndrome, type 4 (EDSVASC). Also called: Ehlers-Danlos syndrome vascular type; Ehlers Danlos syndrome, ecchymotic type; Ehlers Danlos syndrome, arterial type; Ehlers Danlos syndrome, Sack-Barabas type; Ehlers-Danlos Syndrome Type IV. Identifiers: Orphanet 286, MedGen C0268338, MONDO:0017314, OMIM 130050.
Familial thoracic aortic aneurysm and aortic dissection (TAAD). Also called: Thoracic aortic aneurysms and dissections. Identifiers: Orphanet 91387, MedGen C4707243, MONDO:0019625.

Allele frequency attached by ClinVar (database versions not stated): TOPMed 0.00002.
gnomAD v4.1: 13 of 1,612,106 alleles (0.00081%); highest among the groups gnomAD compares: African/African-American, 0.0027%; no homozygotes.

Submissions (4):

Labcorp Genetics (formerly Invitae), Labcorp
Classification: Uncertain significance for Ehlers-Danlos syndrome, type 4. Last evaluated: 2024-11-06. Review status: criteria provided, single submitter. Criteria: Invitae Variant Classification Sherloc (09022015). Collection method: clinical testing. Allele origin: germline.
Comment: This sequence change replaces arginine, which is basic and polar, with histidine, which is basic and polar, at codon 97 of the COL3A1 protein (p.Arg97His). This variant is not present in population databases (gnomAD no frequency). This variant has not been reported in the literature in individuals affected with COL3A1-related conditions. ClinVar contains an entry for this variant (Variation ID: 529314). Invitae Evidence Modeling of protein sequence and biophysical properties (such as structural, functional, and spatial information, amino acid conservation, physicochemical variation, residue mobility, and thermodynamic stability) indicates that this missense variant is not expected to disrupt COL3A1 protein function with a negative predictive value of 95%. In summary, the available evidence is currently insufficient to determine the role of this variant in disease. Therefore, it has been classified as a Variant of Uncertain Significance.

Color Diagnostics, LLC DBA Color Health
Classification: Uncertain significance for Familial thoracic aortic aneurysm and aortic dissection. Last evaluated: 2024-03-06. Review status: criteria provided, single submitter. Criteria: ACMG Guidelines, 2015. Collection method: clinical testing. Allele origin: germline.
Comment: This missense variant replaces arginine with histidine at codon 97 of the COL3A1 protein. Computational prediction suggests that this variant may not impact protein structure and function (internally defined REVEL score threshold <= 0.5, PMID: 27666373). To our knowledge, functional studies have not been reported for this variant. This variant has not been reported in individuals affected with COL3A1-related disorders in the literature. This variant has not been identified in the general population by the Genome Aggregation Database (gnomAD). The available evidence is insufficient to determine the role of this variant in disease conclusively. Therefore, this variant is classified as a Variant of Uncertain Significance.

All of Us Research Program, National Institutes of Health
Classification: Uncertain significance for Ehlers-Danlos syndrome, type 4. Last evaluated: 2023-09-18. Review status: criteria provided, single submitter. Criteria: ACMG Guidelines, 2015. Collection method: clinical testing. Allele origin: germline. Inheritance: Autosomal dominant inheritance. Observed: 3 variant alleles, 3 heterozygotes.
Comment: This missense variant replaces arginine with histidine at codon 97 of the COL3A1 protein. Computational prediction suggests that this variant may not impact protein structure and function (internally defined REVEL score threshold <= 0.5, PMID: 27666373). To our knowledge, functional studies have not been reported for this variant. This variant has not been reported in individuals affected with cardiovascular disorders in the literature. This variant has not been identified in the general population by the Genome Aggregation Database (gnomAD). The available evidence is insufficient to determine the role of this variant in disease conclusively. Therefore, this variant is classified as a Variant of Uncertain Significance.

This study involves interpretation of variants in research participants for the purpose of population health screening. Participant phenotype was not available at the time of variant classification. Additional details can be found in publication PMID: 35346344, PMCID: PMC8962531

Fulgent Genetics
Classification: Uncertain significance for Ehlers-Danlos syndrome, type 4; Polymicrogyria with or without vascular-type Ehlers-Danlos syndrome. Last evaluated: 2021-08-23. Review status: criteria provided, single submitter. Criteria: ACMG Guidelines, 2015. Collection method: clinical testing. Allele origin: unknown.

NM_000090.4(COL3A1):c.290G>A (p.Arg97His)

Gene: COL3A1 (collagen type III alpha 1 chain; plus strand). Cytogenetic location: 2q32.2.
Variant type: single nucleotide variant.
Coding change: c.290G>A on transcript NM_000090.4 (MANE Select); coding-DNA position 290, G replaced by A.
Protein change: p.Arg97His; replaces arginine 97 with histidine.
Molecular consequence: missense variant.
Genome position (GRCh38, 1-based): chr2:188,985,204, G>A. VCF-style: chr2-188985204-G-A. GRCh37 (hg19) VCF-style: chr2-189849930-G-A.
Other names: short protein forms R97H.
Identifiers: ClinVar variation 529314 (VCV000529314.16), dbSNP rs1197947308, ClinGen allele CA349847520.